The following is an entry in ClinVar:

NM_002439.5(MSH3):c.2743A>G (p.Met915Val)

Gene: MSH3 (mutS homolog 3; plus strand). Cytogenetic location: 5q14.1.
Variant type: single nucleotide variant.
Coding change: c.2743A>G on transcript NM_002439.5 (MANE Select); coding-DNA position 2743, A replaced by G.
Protein change: p.Met915Val; replaces methionine 915 with valine.
Molecular consequence: missense variant.
Genome position (GRCh38, 1-based): chr5:80,813,671, A>G. VCF-style: chr5-80813671-A-G. GRCh37 (hg19) VCF-style: chr5-80109490-A-G.
Other names: short protein forms M915V.
Identifiers: ClinVar variation 646888 (VCV000646888.9), dbSNP rs200945869, ClinGen allele CA121307452.

ClinVar aggregate classification (germline): Uncertain significance. Review status: criteria provided, multiple submitters, no conflicts (2 of 4 stars). 3 submissions from 3 submitters: Uncertain significance (3). Last evaluated 2025-11-24.

Conditions:
Hereditary cancer-predisposing syndrome. Also called: Hereditary Cancer Syndrome; Tumor predisposition; Hereditary neoplastic syndrome; Neoplastic Syndromes, Hereditary. Identifiers: Orphanet 140162, MedGen C0027672, MeSH D009386, MONDO:0015356.
Endometrial carcinoma. Also called: Endometrial carcinoma, somatic. Identifiers: MedGen C0476089, MONDO:0002447, OMIM 608089, HP:0012114.

Allele frequency attached by ClinVar (database versions not stated): TOPMed below 0.00001.
gnomAD v4.1: 2 of 1,614,220 alleles (0.00012%); highest among the groups gnomAD compares: Non-Finnish European, 0.00017%; no homozygotes.

Submissions (3):

Labcorp Genetics (formerly Invitae), Labcorp
Classification: Uncertain significance. Last evaluated: 2025-11-24. Review status: criteria provided, single submitter. Criteria: Invitae Variant Classification Sherloc (09022015). Collection method: clinical testing. Allele origin: germline.
Comment: This sequence change replaces methionine, which is neutral and non-polar, with valine, which is neutral and non-polar, at codon 915 of the MSH3 protein (p.Met915Val). This variant is present in population databases (rs200945869, gnomAD 0.006%). This variant has not been reported in the literature in individuals affected with MSH3-related conditions. ClinVar contains an entry for this variant (Variation ID: 646888). An algorithm developed to predict the effect of missense changes on protein structure and function (PolyPhen-2) suggests that this variant is likely to be tolerated. In summary, the available evidence is currently insufficient to determine the role of this variant in disease. Therefore, it has been classified as a Variant of Uncertain Significance.

Ambry Genetics
Classification: Uncertain significance for Hereditary cancer-predisposing syndrome. Last evaluated: 2024-01-14. Review status: criteria provided, single submitter. Criteria: Ambry Variant Classification Scheme 2023. Collection method: clinical testing. Allele origin: germline.
Comment: The p.M915V variant (also known as c.2743A>G), located in coding exon 20 of the MSH3 gene, results from an A to G substitution at nucleotide position 2743. The methionine at codon 915 is replaced by valine, an amino acid with highly similar properties. This amino acid position is conserved. In addition, this alteration is predicted to be deleterious by in silico analysis. Since supporting evidence is limited at this time, the clinical significance of this alteration remains unclear.

Baylor Genetics
Classification: Uncertain significance for Endometrial carcinoma. Last evaluated: 2023-10-24. Review status: criteria provided, single submitter. Criteria: ACMG Guidelines, 2015. Collection method: clinical testing. Allele origin: unknown.